The following is an entry in ClinVar:

NM_024570.4(RNASEH2B):c.744A>C (p.Lys248Asn)

Gene: RNASEH2B (ribonuclease H2 subunit B; plus strand). Cytogenetic location: 13q14.3.
Variant type: single nucleotide variant.
Coding change: c.744A>C on transcript NM_024570.4 (MANE Select); coding-DNA position 744, A replaced by C.
Protein change: p.Lys248Asn; replaces lysine 248 with asparagine.
Molecular consequence: missense variant. On other transcripts: intron variant (1).
Genome position (GRCh38, 1-based): chr13:50,953,907, A>C. VCF-style: chr13-50953907-A-C. GRCh37 (hg19) VCF-style: chr13-51528043-A-C.
Other names: c.744A>C (NM_024570.3); c.741+4402A>C (NM_001142279.2); short protein forms K248N.
Identifiers: ClinVar variation 1492700 (VCV001492700.6), dbSNP rs748144224, ClinGen allele CA6985702.

ClinVar aggregate classification (germline): Uncertain significance. Review status: criteria provided, multiple submitters, no conflicts (2 of 4 stars). 3 submissions from 3 submitters: Uncertain significance (3). Last evaluated 2025-06-23.

Conditions:
Aicardi-Goutieres syndrome 2. Identifiers: Orphanet 51, MedGen C3489724, MONDO:0012429, OMIM 610181.

Allele frequency attached by ClinVar (database versions not stated): TOPMed 0.00002; gnomAD 0.00003 and 0.00004; gnomAD exomes 0.00003 and 0.00005; ExAC 0.00008.
gnomAD v4.1: 52 of 1,593,932 alleles (0.0033%); highest among the groups gnomAD compares: Non-Finnish European, 0.0043%; no homozygotes.

Submissions (3):

Labcorp Genetics (formerly Invitae), Labcorp
Classification: Uncertain significance for Aicardi-Goutieres syndrome 2. Last evaluated: 2025-06-23. Review status: criteria provided, single submitter. Criteria: Invitae Variant Classification Sherloc (09022015). Collection method: clinical testing. Allele origin: germline.
Comment: This sequence change replaces lysine, which is basic and polar, with asparagine, which is neutral and polar, at codon 248 of the RNASEH2B protein (p.Lys248Asn). This variant is present in population databases (rs748144224, gnomAD 0.01%). This missense change has been observed in individual(s) with systemic lupus erythematosus (PMID: 25500883). ClinVar contains an entry for this variant (Variation ID: 1492700). An algorithm developed to predict the effect of missense changes on protein structure and function (PolyPhen-2) suggests that this variant is likely to be disruptive. Experimental studies have shown that this missense change affects RNASEH2B function (PMID: 25500883). In summary, the available evidence is currently insufficient to determine the role of this variant in disease. Therefore, it has been classified as a Variant of Uncertain Significance.

Blueprint Genetics
Classification: Uncertain significance. Last evaluated: 2024-10-30. Review status: criteria provided, single submitter. Criteria: ACMG Guidelines, 2015. Collection method: clinical testing. Allele origin: germline.

Women's Health and Genetics/Laboratory Corporation of America, LabCorp
Classification: Uncertain significance. Last evaluated: 2023-05-26. Review status: criteria provided, single submitter. Criteria: LabCorp Variant Classification Summary - May 2015. Collection method: clinical testing. Allele origin: germline.
Comment: Variant summary: RNASEH2B c.744A>C (p.Lys248Asn) results in a non-conservative amino acid change in the encoded protein sequence. Five of five in-silico tools predict a damaging effect of the variant on protein function. The variant allele was found at a frequency of 5.2e-05 in 250548 control chromosomes. This frequency is not significantly higher than estimated for a pathogenic variant in RNASEH2B causing Aicardi Goutieres Syndrome (5.2e-05 vs 0.00067), allowing no conclusion about variant significance. c.744A>C has been reported in the literature in individuals affected with Systemic Lupus Erythematosus (Gunther_2015). This report does not provide unequivocal conclusions about association of the variant with Aicardi Goutieres Syndrome. At least one publication reports experimental evidence evaluating an impact on protein function showing 20% recombinant enzyme activity, reduced thermal stability compared to wildtype and impaired nuclear localization (Gunther_2015). The following publication have been ascertained in the context of this evaluation (PMID: 25500883). One clinical diagnostic laboratory has submitted clinical-significance assessments for this variant to ClinVar after 2014 and classified the variant as uncertain significance. Based on the evidence outlined above, the variant was classified as VUS-possibly pathogenic.

Literature cited by the submitters: PubMed 25500883 (cited by Labcorp Genetics (formerly Invitae), Labcorp and Women's Health and Genetics/Laboratory Corporation of America, LabCorp).